The following is an entry in ClinVar:

ClinVar aggregate classification (germline): Conflicting classifications of pathogenicity. Review status: criteria provided, conflicting classifications (1 of 4 stars). 3 submissions from 3 submitters: Uncertain significance (1); Likely benign (2). Last evaluated 2024-05-24.

Allele frequency attached by ClinVar (database versions not stated): gnomAD exomes below 0.00001.
gnomAD v4.1: 3 of 1,612,266 alleles (0.00019%); highest among the groups gnomAD compares: Non-Finnish European, 0.00025%; no homozygotes.

Submissions (3):

GeneDx
Classification: Uncertain significance. Last evaluated: 2024-05-24. Review status: criteria provided, single submitter. Criteria: GeneDx Variant Classification Process June 2021. Collection method: clinical testing. Allele origin: germline. Affected: yes.
Comment: Not observed at significant frequency in large population cohorts (gnomAD); In silico analysis indicates that this variant does not alter splicing; Has not been previously published as pathogenic or benign to our knowledge

Labcorp Genetics (formerly Invitae), Labcorp
Classification: Likely benign. Last evaluated: 2023-03-07. Review status: criteria provided, single submitter. Criteria: Invitae Variant Classification Sherloc (09022015). Collection method: clinical testing. Allele origin: germline.

Blueprint Genetics
Classification: Likely benign. Last evaluated: 2022-04-13. Review status: criteria provided, single submitter. Criteria: ACMG Guidelines, 2015. Collection method: clinical testing. Allele origin: germline.

NM_080680.3(COL11A2):c.1434G>A (p.Leu478=)

Gene: COL11A2 (collagen type XI alpha 2 chain; minus strand). Cytogenetic location: 6p21.32.
Variant type: single nucleotide variant.
Coding change: c.1434G>A on transcript NM_080680.3 (MANE Select); coding-DNA position 1434, G replaced by A.
Protein change: p.Leu478=; no amino-acid change (leucine 478 retained).
Molecular consequence: synonymous variant.
Genome position (GRCh38, 1-based): chr6:33,179,731, C>T on the plus strand (G>A on the coding strand, the complement: COL11A2 is on the minus strand). VCF-style: chr6-33179731-C-T. GRCh37 (hg19) VCF-style: chr6-33147508-C-T.
Other names: c.1434G>A (NM_080680.2); c.1254G>A, p.Leu418= (NM_001424108.1); c.588G>A, p.Leu196= (NM_001424109.1); c.408G>A, p.Leu136= (NM_001424110.1, NM_001424111.1); c.1113G>A, p.Leu371= (NM_080679.3); c.1176G>A, p.Leu392= (NM_080681.3).
Identifiers: ClinVar variation 2804364 (VCV002804364.5), dbSNP rs2535270765, ClinGen allele CA449837845.